The following is an entry in ClinVar:

ClinVar aggregate classification (germline): Uncertain significance (1 of 4 stars; one submission).

gnomAD v4.1: 31 of 1,613,776 alleles (0.0019%); highest among the groups gnomAD compares: African/African-American, 0.013%; no homozygotes.

Submission:

Labcorp Genetics (formerly Invitae), Labcorp
Classification: Uncertain significance. Last evaluated: 2025-07-13. Review status: criteria provided, single submitter. Criteria: Invitae Variant Classification Sherloc (09022015). Collection method: clinical testing. Allele origin: germline.
Comment: This sequence change replaces threonine, which is neutral and polar, with methionine, which is neutral and non-polar, at codon 218 of the UNC45A protein (p.Thr218Met). This variant is present in population databases (rs772800749, gnomAD 0.01%). This variant has not been reported in the literature in individuals affected with UNC45A-related conditions. Invitae Evidence Modeling of protein sequence and biophysical properties (such as structural, functional, and spatial information, amino acid conservation, physicochemical variation, residue mobility, and thermodynamic stability) indicates that this missense variant is expected to disrupt UNC45A protein function with a positive predictive value of 80%. In summary, the available evidence is currently insufficient to determine the role of this variant in disease. Therefore, it has been classified as a Variant of Uncertain Significance.

NM_018671.5(UNC45A):c.653C>T (p.Thr218Met)

Gene: UNC45A (unc-45 myosin chaperone A; plus strand). Cytogenetic location: 15q26.1.
Variant type: single nucleotide variant.
Coding change: c.653C>T on transcript NM_018671.5 (MANE Select); coding-DNA position 653, C replaced by T.
Protein change: p.Thr218Met; replaces threonine 218 with methionine.
Molecular consequence: missense variant.
Genome position (GRCh38, 1-based): chr15:90,940,439, C>T. VCF-style: chr15-90940439-C-T. GRCh37 (hg19) VCF-style: chr15-91483669-C-T.
Other names: c.608C>T, p.Thr203Met (NM_001039675.2, NM_001323621.2); c.653C>T, p.Thr218Met (NM_001323619.1); c.218C>T, p.Thr73Met (NM_001323620.2); short protein forms T73M, T218M, T203M.
Identifiers: ClinVar variation 4775218 (VCV004775218.1).